The following is an entry in ClinVar:

ClinVar aggregate classification (germline): Uncertain significance. Review status: criteria provided, multiple submitters, no conflicts (2 of 4 stars). 5 submissions from 5 submitters: Uncertain significance (5). Last evaluated 2025-02-11.

Conditions:
Familial adenomatous polyposis 1 (FAP1). Also called: POLYPOSIS, ADENOMATOUS INTESTINAL; FAMILIAL ADENOMATOUS POLYPOSIS 1, ATTENUATED. Identifiers: MedGen C2713442, MONDO:0021056, OMIM 175100. Disease mechanism: loss of function.
Classic or attenuated familial adenomatous polyposis. Identifiers: MedGen CN372698, MONDO:0021057.
Hereditary cancer-predisposing syndrome. Also called: Hereditary neoplastic syndrome; Neoplastic Syndromes, Hereditary; Tumor predisposition; Hereditary Cancer Syndrome. Identifiers: Orphanet 140162, MedGen C0027672, MeSH D009386, MONDO:0015356.

Allele frequency attached by ClinVar (database versions not stated): gnomAD exomes below 0.00001; ExAC 0.00001.

Submissions (5):

Labcorp Genetics (formerly Invitae), Labcorp
Classification: Uncertain significance for Familial adenomatous polyposis 1. Last evaluated: 2025-02-11. Review status: criteria provided, single submitter. Criteria: Invitae Variant Classification Sherloc (09022015). Collection method: clinical testing. Allele origin: germline.
Comment: This sequence change replaces methionine, which is neutral and non-polar, with valine, which is neutral and non-polar, at codon 1211 of the APC protein (p.Met1211Val). This variant is present in population databases (rs780084585, gnomAD 0.003%). This missense change has been observed in individual(s) with attenuated familial adenomatous polyposis (PMID: 20434453). ClinVar contains an entry for this variant (Variation ID: 469931). Invitae Evidence Modeling of protein sequence and biophysical properties (such as structural, functional, and spatial information, amino acid conservation, physicochemical variation, residue mobility, and thermodynamic stability) indicates that this missense variant is not expected to disrupt APC protein function with a negative predictive value of 95%. In summary, the available evidence is currently insufficient to determine the role of this variant in disease. Therefore, it has been classified as a Variant of Uncertain Significance.

Ambry Genetics
Classification: Uncertain significance for Hereditary cancer-predisposing syndrome. Last evaluated: 2024-10-03. Review status: criteria provided, single submitter. Criteria: Ambry Variant Classification Scheme 2023. Collection method: clinical testing. Allele origin: germline.
Comment: The p.M1211V variant (also known as c.3631A>G), located in coding exon 15 of the APC gene, results from an A to G substitution at nucleotide position 3631. The methionine at codon 1211 is replaced by valine, an amino acid with highly similar properties. In one study, this variant was reported in a family with an attenuated FAP phenotype, however clinical details were limited (Castellsagu&eacute; E et al. Gastroenterology, 2010 Aug;139:439-47, 447.e1). This amino acid position is poorly conserved in available vertebrate species. In addition, in silico predictors for this gene do not accurately predict pathogenicity. Missense alterations in APC are not a common cause of disease (Spier I et al. Genet Med. 2024 Feb;26(2):100992). Since supporting evidence is limited at this time, the clinical significance of this alteration remains unclear.

Quest Diagnostics Nichols Institute San Juan Capistrano
Classification: Uncertain significance. Last evaluated: 2024-09-08. Review status: criteria provided, single submitter. Criteria: Quest Diagnostics criteria. Collection method: clinical testing. Allele origin: unknown.
Comment: The APC c.3631A>G (p.Met1211Val) variant has been reported in the published literature in an individual affected with attenuated familial adenomatous polyposis (PMID: 20434453 (2010)). The frequency of this variant in the general population, 0.000004 (1/250614 chromosomes (Genome Aggregation Database)), is uninformative in the assessment of its pathogenicity. Analysis of this variant using bioinformatics tools for the prediction of the effect of amino acid changes on protein structure and function yielded conflicting predictions that this variant is deleterious or benign. Based on the available information, we are unable to determine the clinical significance of this variant.

All of Us Research Program, National Institutes of Health
Classification: Uncertain significance for Classic or attenuated familial adenomatous polyposis. Last evaluated: 2024-08-19. Review status: criteria provided, single submitter. Criteria: ACMG Guidelines, 2015. Collection method: clinical testing. Allele origin: germline. Inheritance: Autosomal dominant inheritance. Observed: 2 variant alleles, 2 heterozygotes.
Comment: This missense variant replaces methionine with valine at codon 1211 of the APC protein. Computational prediction is inconclusive regarding the impact of this variant on protein structure and function (internally defined REVEL score threshold 0.5 < inconclusive < 0.7, PMID: 27666373). To our knowledge, functional studies have not been reported for this variant. This variant has been reported in an individual affected with an attenuated form of familial adenomatous polyposis (PMID: 20434453). This variant has been identified in 1/250614 chromosomes in the general population by the Genome Aggregation Database (gnomAD). The available evidence is insufficient to determine the role of this variant in disease conclusively. Therefore, this variant is classified as a Variant of Uncertain Significance.

This study involves interpretation of variants in research participants for the purpose of population health screening. Participant phenotype was not available at the time of variant classification. Additional details can be found in publication PMID: 35346344, PMCID: PMC8962531

Color Diagnostics, LLC DBA Color Health
Classification: Uncertain significance for Hereditary cancer-predisposing syndrome. Last evaluated: 2023-06-01. Review status: criteria provided, single submitter. Criteria: ACMG Guidelines, 2015. Collection method: clinical testing. Allele origin: germline.
Comment: This missense variant replaces methionine with valine at codon 1211 of the APC protein. Computational prediction is inconclusive regarding the impact of this variant on protein structure and function (internally defined REVEL score threshold 0.5 < inconclusive < 0.7, PMID: 27666373). To our knowledge, functional studies have not been reported for this variant. This variant has been reported in an individual affected with an attenuated form of familial adenomatous polyposis (PMID: 20434453). This variant has been identified in 1/250614 chromosomes in the general population by the Genome Aggregation Database (gnomAD). The available evidence is insufficient to determine the role of this variant in disease conclusively. Therefore, this variant is classified as a Variant of Uncertain Significance.

Literature cited by the submitters: PubMed 20434453 (cited by 5 submitters).

NM_000038.6(APC):c.3631A>G (p.Met1211Val)

Gene: APC (APC regulator of Wnt signaling pathway; plus strand). Cytogenetic location: 5q22.2.
Variant type: single nucleotide variant.
Coding change: c.3631A>G on transcript NM_000038.6 (MANE Select); coding-DNA position 3631, A replaced by G.
Protein change: p.Met1211Val; replaces methionine 1211 with valine.
Molecular consequence: missense variant.
Genome position (GRCh38, 1-based): chr5:112,839,225, A>G. VCF-style: chr5-112839225-A-G. GRCh37 (hg19) VCF-style: chr5-112174922-A-G.
Other names: c.3631A>G, p.Met1211Val (NM_001127510.3, NM_001354895.2); c.3577A>G, p.Met1193Val (NM_001127511.3); c.3685A>G, p.Met1229Val (NM_001354896.2); c.3661A>G, p.Met1221Val (NM_001354897.2); c.3556A>G, p.Met1186Val (NM_001354898.2); c.3547A>G, p.Met1183Val (NM_001354899.2); c.3508A>G, p.Met1170Val (NM_001354900.2); c.3454A>G, p.Met1152Val (NM_001354901.2); and 5 more; short protein forms M1211V, M1193V, M1110V, M1170V, M1183V, M1221V, M1051V, M1085V.
Identifiers: ClinVar variation 469931 (VCV000469931.23), dbSNP rs780084585, ClinGen allele CA036040.
Genomic context (GRCh38, chr5:112,839,225, plus strand): 5'-CAGAAACAGTCATTTTCATTCTCAAAGAGTTCATCTGGACAAAGCAGTAAAACCGAACAT[A>G]TGTCTTCAAGCAGTGAGAATACGTCCACACCTTCATCTAATGCCAAGAGGCAGAATCAGC-3'
Protein context (NP_000029.2, residues 1201-1221): SSGQSSKTEH[Met1211Val]SSSSENTSTP